The following is an entry in ClinVar:

NM_018013.4(SOBP):c.1981C>T (p.Arg661Ter)

Gene: SOBP (sine oculis binding protein homolog; plus strand). Cytogenetic location: 6q21.
Variant type: single nucleotide variant.
Coding change: c.1981C>T on transcript NM_018013.4 (MANE Select); coding-DNA position 1981, C replaced by T.
Protein change: p.Arg661Ter; replaces arginine 661 with a stop codon.
Molecular consequence: nonsense.
Genome position (GRCh38, 1-based): chr6:107,634,825, C>T. VCF-style: chr6-107634825-C-T. GRCh37 (hg19) VCF-style: chr6-107956029-C-T.
Other names: short protein forms R661*.
Identifiers: ClinVar variation 18392 (VCV000018392.3), dbSNP rs267607078, ClinGen allele CA113783.
Genomic context (GRCh38, chr6:107,634,825, plus strand): 5'-GGCTTCCCAGGCGTGCTGCAGGGCCCGCAGGACGGCGTCATCGACCTGACCGTGGGCCAC[C>T]GAGCCCGGCTGCACAACGTGATCCACCGCGCGCTGCACGCGCACGTCAAGGCGGAGCGCG-3'

ClinVar aggregate classification (germline): no classifications from unflagged records (0 of 4 stars; one submission).

Conditions:
Impaired intellectual development, anterior maxillary protrusion, and strabismus. Also called: Intellectual disability, anterior maxillary protrusion, and strabismus. Identifiers: Orphanet 562559, MedGen C3150924, MONDO:0013353, OMIM 613671.

Submission:

OMIM
Classification: Pathogenic for IMPAIRED INTELLECTUAL DEVELOPMENT, ANTERIOR MAXILLARY PROTRUSION, AND STRABISMUS (1 family). Last evaluated: 2010-11-12. Review status: flagged submission. Collection method: literature only. Allele origin: germline.
ClinVar note: Notes: Flagging candidate with reason of insufficient supporting evidence. This gene has been classified as having a limited gene-disease relationship by a ClinGen Expert Panel.
ClinVar note: Reason: Other

Literature cited by the submitters: PubMed 17618476; PubMed 21035105.